The following is an entry in ClinVar:

NM_012479.4(YWHAG):c.383_385dup (p.Gly128_Asp129insGly)

Gene: YWHAG (tyrosine 3-monooxygenase/tryptophan 5-monooxygenase activation protein gamma; minus strand). Cytogenetic location: 7q11.23.
Variant type: Duplication.
Coding change: c.383_385dup on transcript NM_012479.4 (MANE Select); coding-DNA positions 383 to 385, 3 bases duplicated (GGG; older notation c.383_385dupGGG).
Protein change: p.Gly128_Asp129insGly.
Molecular consequence: inframe insertion.
Genome position (GRCh38, 1-based): chr7:76,329,936-76,329,938, CCC duplicated on the plus strand (GGG on the coding strand, the reverse complement: YWHAG is on the minus strand); duplicating any 3 consecutive bases within chr7:76,329,936-76,329,939 gives the same sequence; the c. name uses the placement nearest the transcript's 3' end. VCF-style (leftmost placement, unchanged base first): chr7-76329935-T-TCCC. GRCh37 (hg19) VCF-style: chr7-75959252-T-TCCC.
Identifiers: ClinVar variation 2103598 (VCV002103598.4), dbSNP rs2536181034, ClinGen allele CA2580077369.

ClinVar aggregate classification (germline): Uncertain significance (1 of 4 stars; one submission).

Submission:

Labcorp Genetics (formerly Invitae), Labcorp
Classification: Uncertain significance. Last evaluated: 2022-02-25. Review status: criteria provided, single submitter. Criteria: Invitae Variant Classification Sherloc (09022015). Collection method: clinical testing. Allele origin: germline.
Comment: This variant, c.383_385dup, results in the insertion of 1 amino acid(s) of the YWHAG protein (p.Gly128dup), but otherwise preserves the integrity of the reading frame. In summary, the available evidence is currently insufficient to determine the role of this variant in disease. Therefore, it has been classified as a Variant of Uncertain Significance. This variant has not been reported in the literature in individuals affected with YWHAG-related conditions. This variant is not present in population databases (gnomAD no frequency).